The following is an entry in ClinVar:

NM_000138.5(FBN1):c.1960G>A (p.Asp654Asn)

Gene: FBN1 (fibrillin 1; minus strand). Cytogenetic location: 15q21.1.
Variant type: single nucleotide variant.
Coding change: c.1960G>A on transcript NM_000138.5 (MANE Select); coding-DNA position 1960, G replaced by A.
Protein change: p.Asp654Asn; replaces aspartic acid 654 with asparagine.
Molecular consequence: missense variant.
Genome position (GRCh38, 1-based): chr15:48,505,025, C>T on the plus strand (G>A on the coding strand, the complement: FBN1 is on the minus strand). VCF-style: chr15-48505025-C-T. GRCh37 (hg19) VCF-style: chr15-48797222-C-T.
Other names: c.1960G>A, p.Asp654Asn (NM_001406716.1); short protein forms D654N.
Identifiers: ClinVar variation 2137706 (VCV002137706.5), dbSNP rs1566913969, ClinGen allele CA392338954.
Genomic context (GRCh38, chr15:48,505,025, plus strand): 5'-GCTTTATTGAGTGACAGAGGCTGAACCTCTCTCATAAGGTTAGCCATGATGTTTTCTTAC[C>T]AACACACACACGGCCATCCAGACCCACAGCCAGTCCAGGGAAGCATTCACATCTGTAGGA-3'
Protein context (NP_000129.3, residues 644-664): AVGLDGRVCV[Asp654Asn]THMRSTCYGG

ClinVar aggregate classification (germline): Likely pathogenic. Review status: criteria provided, multiple submitters, no conflicts (2 of 4 stars). 2 submissions from 2 submitters: Likely pathogenic (2). Last evaluated 2025-02-10.

Conditions:
Familial thoracic aortic aneurysm and aortic dissection (TAAD). Also called: Thoracic aortic aneurysms and dissections. Identifiers: Orphanet 91387, MedGen C4707243, MONDO:0019625.
Marfan syndrome (MFS). Also called: MARFAN SYNDROME, TYPE I; Marfan syndrome type 1; Marfan's syndrome; Marfan syndrome, classic; FBN1-Related Marfan Syndrome. Identifiers: Orphanet 284963, Orphanet 558, MedGen C0024796, MONDO:0007947, OMIM 154700.

Submissions (2):

GeneDx
Classification: Likely pathogenic. Last evaluated: 2025-02-10. Review status: criteria provided, single submitter. Criteria: GeneDx Variant Classification Process June 2021. Collection method: clinical testing. Allele origin: germline. Affected: yes.
Comment: Not observed at significant frequency in large population cohorts (gnomAD); Alters the last nucleotide of the exon and is predicted to destroy the splice donor site but the effect on protein function is unclear; Deletions involving coding exons of this gene are a known mechanism of disease (HGMD; other references); This variant is associated with the following publications: (PMID: 12161601, 12203992, 36517271)

Labcorp Genetics (formerly Invitae), Labcorp
Classification: Likely pathogenic for Marfan syndrome; Familial thoracic aortic aneurysm and aortic dissection. Last evaluated: 2022-12-27. Review status: criteria provided, single submitter. Criteria: Invitae Variant Classification Sherloc (09022015). Collection method: clinical testing. Allele origin: germline.
Comment: In summary, the currently available evidence indicates that the variant is pathogenic, but additional data are needed to prove that conclusively. Therefore, this variant has been classified as Likely Pathogenic. Variants that disrupt the consensus splice site are a relatively common cause of aberrant splicing (PMID: 17576681, 9536098). Algorithms developed to predict the effect of sequence changes on RNA splicing suggest that this variant may disrupt the consensus splice site. Algorithms developed to predict the effect of missense changes on protein structure and function are either unavailable or do not agree on the potential impact of this missense change (SIFT: "Deleterious"; PolyPhen-2: "Possibly Damaging"; Align-GVGD: "Class C0"). This missense change has been observed in individuals with Marfan syndrome (PMID: 12161601, 12203992; Invitae). This variant is not present in population databases (gnomAD no frequency). This sequence change replaces aspartic acid, which is acidic and polar, with asparagine, which is neutral and polar, at codon 654 of the FBN1 protein (p.Asp654Asn). This variant also falls at the last nucleotide of exon 16, which is part of the consensus splice site for this exon.

Literature cited by the submitters: PubMed 17576681 (cited by Labcorp Genetics (formerly Invitae), Labcorp); PubMed 9536098 (cited by Labcorp Genetics (formerly Invitae), Labcorp); PubMed 12161601 (cited by Labcorp Genetics (formerly Invitae), Labcorp); PubMed 12203992 (cited by Labcorp Genetics (formerly Invitae), Labcorp).